The following is an entry in ClinVar:

ClinVar aggregate classification (germline): Uncertain significance (1 of 4 stars; one submission).

Conditions:
Cardiovascular phenotype. Identifiers: MedGen CN230736.

gnomAD v4.1: 12 of 1,591,558 alleles (0.00075%); highest among the groups gnomAD compares: Non-Finnish European, 0.001%; no homozygotes.

Submission:

Ambry Genetics
Classification: Uncertain significance for Cardiovascular phenotype. Last evaluated: 2026-07-07. Review status: criteria provided, single submitter. Criteria: Ambry Variant Classification Scheme 2023. Collection method: clinical testing. Allele origin: germline.
Comment: The p.P621S variant (also known as c.1861C>T), located in coding exon 14 of the ENG gene, results from a C to T substitution at nucleotide position 1861. The proline at codon 621 is replaced by serine, an amino acid with similar properties. This amino acid position is conserved. In addition, this alteration is predicted to be tolerated by in silico analysis. Based on the available evidence, the clinical significance of this variant remains unclear.

NM_001114753.3(ENG):c.1852+9C>T

Gene: ENG (endoglin; minus strand). Cytogenetic location: 9q34.11.
Variant type: single nucleotide variant.
Coding change: c.1852+9C>T on transcript NM_001114753.3 (MANE Select); 9 bases into the intron after coding-DNA position 1852, C replaced by T.
Molecular consequence: intron variant. On other transcripts: missense variant (1).
Genome position (GRCh38, 1-based): chr9:127,815,934, G>A on the plus strand (C>T on the coding strand, the complement: ENG is on the minus strand). VCF-style: chr9-127815934-G-A. GRCh37 (hg19) VCF-style: chr9-130578213-G-A.
Other names: c.1861C>T, p.Pro621Ser (NM_000118.4); c.1306+9C>T (NM_001278138.2); short protein forms P621S.
Identifiers: ClinVar variation 5035957 (VCV005035957.1).